The following is an entry in ClinVar:

NM_001048174.2(MUTYH):c.1057G>T (p.Gly353Trp)

Gene: MUTYH (mutY DNA glycosylase; minus strand). Cytogenetic location: 1p34.1.
Variant type: single nucleotide variant.
Coding change: c.1057G>T on transcript NM_001048174.2 (MANE Select); coding-DNA position 1057, G replaced by T.
Protein change: p.Gly353Trp; replaces glycine 353 with tryptophan.
Molecular consequence: missense variant. On other transcripts: non-coding transcript variant (2).
Genome position (GRCh38, 1-based): chr1:45,331,706, C>A on the plus strand (G>T on the coding strand, the complement: MUTYH is on the minus strand). VCF-style: chr1-45331706-C-A. GRCh37 (hg19) VCF-style: chr1-45797378-C-A.
Other names: c.1057G>T, p.Gly353Trp (NM_001048171.2, NM_001048173.2, NM_001293195.2); c.1060G>T, p.Gly354Trp (NM_001048172.2); c.1141G>T, p.Gly381Trp (NM_001128425.2); c.1102G>T, p.Gly368Trp (NM_001293190.2); c.1090G>T, p.Gly364Trp (NM_001293191.2); c.781G>T, p.Gly261Trp (NM_001293192.2, NM_001293196.2); c.712G>T, p.Gly238Trp (NM_001350650.2, NM_001350651.2); c.1132G>T, p.Gly378Trp (NM_012222.3); short protein forms G381W, G261W, G364W, G238W, G353W, G368W, G354W, G378W.
Identifiers: ClinVar variation 134863 (VCV000134863.26), dbSNP rs587778539, ClinGen allele CA012161.

ClinVar aggregate classification (germline): Conflicting classifications of pathogenicity. Review status: criteria provided, conflicting classifications (1 of 4 stars). 9 submissions from 9 submitters: Uncertain significance (7); Likely benign (1). 1 of the submissions does not count toward it. Last evaluated 2025-08-19.

Conditions:
Hereditary cancer-predisposing syndrome. Also called: Tumor predisposition; Hereditary neoplastic syndrome; Neoplastic Syndromes, Hereditary; Hereditary Cancer Syndrome. Identifiers: Orphanet 140162, MedGen C0027672, MeSH D009386, MONDO:0015356.
Familial adenomatous polyposis 2. Also called: Adenomas, multiple colorectal; MUTYH-associated polyposis; MUTYH-related attenuated familial adenomatous polyposis; MUTYH Polyposis; COLORECTAL ADENOMATOUS POLYPOSIS, AUTOSOMAL RECESSIVE; ADENOMAS, MULTIPLE COLORECTAL, AUTOSOMAL RECESSIVE. Identifiers: Orphanet 220460, Orphanet 247798, MedGen C3272841, MONDO:0012041, OMIM 608456.

Allele frequency attached by ClinVar (database versions not stated): gnomAD 0.00001; gnomAD exomes 0.00001; TOPMed below 0.00001; ExAC 0.00001.
gnomAD v4.1: 4 of 1,614,040 alleles (0.00025%); highest among the groups gnomAD compares: Admixed American, 0.0033%; no homozygotes.

Submissions (9):

Ambry Genetics
Classification: Likely benign for Hereditary cancer-predisposing syndrome. Last evaluated: 2025-08-19. Review status: criteria provided, single submitter. Criteria: Ambry Variant Classification Scheme 2023. Collection method: clinical testing. Allele origin: germline.

Labcorp Genetics (formerly Invitae), Labcorp
Classification: Uncertain significance for Familial adenomatous polyposis 2. Last evaluated: 2024-07-13. Review status: criteria provided, single submitter. Criteria: Invitae Variant Classification Sherloc (09022015). Collection method: clinical testing. Allele origin: germline.
Comment: This sequence change replaces glycine, which is neutral and non-polar, with tryptophan, which is neutral and slightly polar, at codon 381 of the MUTYH protein (p.Gly381Trp). This variant is present in population databases (rs587778539, gnomAD 0.003%). This variant has not been reported in the literature in individuals affected with MUTYH-related conditions. ClinVar contains an entry for this variant (Variation ID: 134863). An algorithm developed to predict the effect of missense changes on protein structure and function (PolyPhen-2) suggests that this variant is likely to be disruptive. In summary, the available evidence is currently insufficient to determine the role of this variant in disease. Therefore, it has been classified as a Variant of Uncertain Significance.

Baylor Genetics
Classification: Uncertain significance for Familial adenomatous polyposis 2. Last evaluated: 2024-03-19. Review status: criteria provided, single submitter. Criteria: ACMG Guidelines, 2015. Collection method: clinical testing. Allele origin: unknown.

Color Diagnostics, LLC DBA Color Health
Classification: Uncertain significance for Hereditary cancer-predisposing syndrome. Last evaluated: 2023-09-01. Review status: criteria provided, single submitter. Criteria: ACMG Guidelines, 2015. Collection method: clinical testing. Allele origin: germline.
Comment: This missense variant replaces glycine with tryptophan at codon 381 of the MUTYH protein. Computational prediction is inconclusive regarding the impact of this variant on protein structure and function (internally defined REVEL score threshold 0.5 < inconclusive < 0.7, PMID: 27666373). To our knowledge, functional studies have not been reported for this variant. This variant has been reported with a co-occurring pathogenic variant (c.91del p.Ala31PhefsT*27) in an individual affected with colorectal cancer (PMID: 35668106). This variant has been identified in 2/250112 chromosomes in the general population by the Genome Aggregation Database (gnomAD). The available evidence is insufficient to determine the role of this variant in disease conclusively. Therefore, this variant is classified as a Variant of Uncertain Significance.

All of Us Research Program, National Institutes of Health
Classification: Uncertain significance for Familial adenomatous polyposis 2. Last evaluated: 2023-06-26. Review status: criteria provided, single submitter. Criteria: ACMG Guidelines, 2015. Collection method: clinical testing. Allele origin: germline. Inheritance: Autosomal recessive inheritance. Observed: 1 variant allele, 1 heterozygote.
Comment: This missense variant replaces glycine with tryptophan at codon 381 of the MUTYH protein. Computational prediction is inconclusive regarding the impact of this variant on protein structure and function (internally defined REVEL score threshold 0.5 < inconclusive < 0.7, PMID: 27666373). To our knowledge, functional studies have not been reported for this variant. This variant has been reported with a co-occurring pathogenic variant in an individual affected with colorectal cancer (PMID: 35668106). This variant has been identified in 2/250112 chromosomes in the general population by the Genome Aggregation Database (gnomAD). The available evidence is insufficient to determine the role of this variant in disease conclusively. Therefore, this variant is classified as a Variant of Uncertain Significance.

This study involves interpretation of variants in research participants for the purpose of population health screening. Participant phenotype was not available at the time of variant classification. Additional details can be found in publication PMID: 35346344, PMCID: PMC8962531

GeneDx
Classification: Uncertain significance. Last evaluated: 2022-06-10. Review status: criteria provided, single submitter. Criteria: GeneDx Variant Classification Process June 2021. Collection method: clinical testing. Allele origin: germline. Affected: yes.
Comment: Not observed at significant frequency in large population cohorts (gnomAD); In silico analysis supports that this missense variant has a deleterious effect on protein structure/function; This variant is associated with the following publications: (PMID: 23108399, 24728327)

Revvity Omics, Revvity
Classification: Uncertain significance for Familial adenomatous polyposis 2. Last evaluated: 2019-12-04. Review status: criteria provided, single submitter. Criteria: ACMG Guidelines, 2015. Collection method: clinical testing. Allele origin: germline.

Mendelics
Classification: Uncertain significance for MYH-associated polyposis. Last evaluated: 2018-07-02. Review status: criteria provided, single submitter. Criteria: Mendelics Assertion Criteria 2017. Collection method: clinical testing. Allele origin: unknown.

ITMI
No classification provided. Condition: AllHighlyPenetrant. Last evaluated: 2013-09-19. Review status: no classification provided. Collection method: reference population. Allele origin: germline. Not counted in ClinVar's aggregate classification.
Comment: Please see associated publication for description of ethnicities

Literature cited by the submitters: PubMed 24728327 (cited by Ambry Genetics and ITMI); PubMed 40738107 (cited by Ambry Genetics); PubMed 35668106 (cited by Color Diagnostics, LLC DBA Color Health and All of Us Research Program, National Institutes of Health).